The following is an entry in ClinVar:

ClinVar aggregate classification (germline): Uncertain significance (1 of 4 stars; one submission).

Submission:

GeneDx
Classification: Uncertain significance. Last evaluated: 2026-03-13. Review status: criteria provided, single submitter. Criteria: GeneDx Variant Classification Process June 2021. Collection method: clinical testing. Allele origin: germline.
Comment: Not observed at significant frequency in large population cohorts (gnomAD); In silico analysis supports that this missense variant has a deleterious effect on protein structure/function; Has not been previously published as pathogenic or benign to our knowledge

NM_002585.4(PBX1):c.149T>C (p.Ile50Thr)

Gene: PBX1 (PBX homeobox 1; plus strand). Cytogenetic location: 1q23.3.
Variant type: single nucleotide variant.
Coding change: c.149T>C on transcript NM_002585.4 (MANE Select); coding-DNA position 149, T replaced by C.
Protein change: p.Ile50Thr; replaces isoleucine 50 with threonine.
Molecular consequence: missense variant. On other transcripts: 5 prime UTR variant (1).
Genome position (GRCh38, 1-based): chr1:164,559,971, T>C. VCF-style: chr1-164559971-T-C. GRCh37 (hg19) VCF-style: chr1-164529208-T-C.
Other names: c.149T>C, p.Ile50Thr (NM_001204961.2, NM_001204963.2, NM_001353131.2); c.-27T>C (NM_001353130.1); short protein forms I50T.
Identifiers: ClinVar variation 5008674 (VCV005008674.1).